The following is an entry in ClinVar:

NM_025114.4(CEP290):c.2697A>G (p.Gln899=)

Gene: CEP290 (centrosomal protein 290; minus strand). Cytogenetic location: 12q21.32.
Variant type: single nucleotide variant.
Coding change: c.2697A>G on transcript NM_025114.4 (MANE Select); coding-DNA position 2697, A replaced by G.
Protein change: p.Gln899=; no amino-acid change (glutamine 899 retained).
Molecular consequence: synonymous variant.
Genome position (GRCh38, 1-based): chr12:88,106,795, T>C on the plus strand (A>G on the coding strand, the complement: CEP290 is on the minus strand). VCF-style: chr12-88106795-T-C. GRCh37 (hg19) VCF-style: chr12-88500572-T-C.
Identifiers: ClinVar variation 701110 (VCV000701110.14), dbSNP rs770769486, ClinGen allele CA6712289.

ClinVar aggregate classification (germline): Likely benign. Review status: criteria provided, multiple submitters, no conflicts (2 of 4 stars). 4 submissions from 4 submitters: Likely benign (3). 1 of the submissions does not count toward it. Last evaluated 2025-09-09.

Conditions:
Leber congenital amaurosis (LCA). Also called: Leber's amaurosis. Identifiers: Orphanet 65, MedGen C0339527, MeSH D057130, MONDO:0018998.
Meckel-Gruber syndrome. Also called: GRUBER SYNDROME; Dysencephalia splachnocystica; DYSENCEPHALIA SPLANCHNOCYSTICA. Identifiers: Orphanet 564, MedGen C0265215, MONDO:0018921.
Nephronophthisis. Also called: Juvenile Nephronophthisis. Identifiers: Orphanet 655, MedGen C0687120, MONDO:0019005, HP:0000090.
Joubert syndrome. Also called: Familial aplasia of the vermis; JOUBERT-BOLTSHAUSER SYNDROME. Identifiers: Orphanet 475, MedGen C5979921, MONDO:0018772.
Joubert syndrome 5 (JBTS5). Identifiers: Orphanet 2318, MedGen C1857780, MONDO:0012432, OMIM 610188.
Meckel syndrome, type 4 (MKS4). Also called: MECKEL-GRUBER SYNDROME, TYPE 4. Identifiers: Orphanet 564, MedGen C1970161, MONDO:0012626, OMIM 611134.
Bardet-Biedl syndrome 14 (BBS14). Identifiers: Orphanet 110, MedGen C2673874, MONDO:0014442, OMIM 615991.
Leber congenital amaurosis 10 (LCA10). Identifiers: Orphanet 65, MedGen C1857821, MONDO:0012723, OMIM 611755.
Senior-Loken syndrome 6 (SLSN6). Identifiers: Orphanet 3156, MedGen C1857779, MONDO:0012433, OMIM 610189.
CEP290-related disorder. Also called: CEP290-related disorders; CEP290-related condition. Identifiers: MedGen CN239314.

Allele frequency attached by ClinVar (database versions not stated): gnomAD exomes below 0.00001; ExAC 0.00001; TOPMed 0.00001.
gnomAD v4.1: 8 of 1,609,754 alleles (0.0005%); highest among the groups gnomAD compares: Non-Finnish European, 0.00051%; no homozygotes.

Submissions (4):

PreventionGenetics, part of Exact Sciences
Classification: Likely benign for CEP290-related condition. Last evaluated: 2025-09-09. Review status: criteria provided, single submitter. Criteria: ACMG Guidelines, 2015. Collection method: clinical testing. Allele origin: germline.
Comment: This variant is classified as likely benign based on ACMG/AMP sequence variant interpretation guidelines (Richards et al. 2015 PMID: 25741868, with internal and published modifications).

Labcorp Genetics (formerly Invitae), Labcorp
Classification: Likely benign for Joubert syndrome; Meckel-Gruber syndrome; Nephronophthisis. Last evaluated: 2024-06-04. Review status: criteria provided, single submitter. Criteria: Invitae Variant Classification Sherloc (09022015). Collection method: clinical testing. Allele origin: germline.

Fulgent Genetics
Classification: Likely benign for Joubert syndrome 5; Senior-Loken syndrome 6; Meckel syndrome, type 4; Leber congenital amaurosis 10; Bardet-Biedl syndrome 14. Last evaluated: 2021-09-23. Review status: criteria provided, single submitter. Criteria: ACMG Guidelines, 2015. Collection method: clinical testing. Allele origin: unknown.

Natera, Inc.
Classification: Uncertain significance for Leber congenital amaurosis. Last evaluated: 2020-04-17. Review status: no assertion criteria provided. Collection method: clinical testing. Allele origin: germline. Not counted in ClinVar's aggregate classification.